The following is an entry in ClinVar:

ClinVar aggregate classification (germline): Likely benign (1 of 4 stars; one submission).

gnomAD v4.1: 1,242 of 1,612,336 alleles (0.077%); highest among the groups gnomAD compares: Non-Finnish European, 0.098%; 1 homozygote.

Submission:

CeGaT Center for Human Genetics Tuebingen
Classification: Likely benign. Last evaluated: 2026-07-01. Review status: criteria provided, single submitter. Criteria: CeGaT Center For Human Genetics Tuebingen Variant Classification Criteria Version 2. Collection method: clinical testing. Allele origin: germline. Affected: yes. Observed: 1 variant allele.
Comment: MDM4: BP4

NM_002393.5(MDM4):c.458A>G (p.Asp153Gly)

Gene: MDM4 (MDM4 regulator of p53; plus strand). Cytogenetic location: 1q32.1.
Variant type: single nucleotide variant.
Coding change: c.458A>G on transcript NM_002393.5 (MANE Select); coding-DNA position 458, A replaced by G.
Protein change: p.Asp153Gly; replaces aspartic acid 153 with glycine.
Molecular consequence: missense variant. On other transcripts: synonymous variant (1), intron variant (3).
Genome position (GRCh38, 1-based): chr1:204,538,255, A>G. VCF-style: chr1-204538255-A-G. GRCh37 (hg19) VCF-style: chr1-204507383-A-G.
Other names: c.390A>G, p.Arg130= (NM_001278516.2); c.164A>G, p.Asp55Gly (NM_001278517.2); c.343+6009A>G (NM_001278518.2); c.154-8542A>G (NM_001278519.2); c.79-11011A>G (NM_001204172.2); c.458A>G, p.Asp153Gly (NM_001204171.2); short protein forms D153G, D55G.
Identifiers: ClinVar variation 5038862 (VCV005038862.1).
Genomic context (GRCh38, chr1:204,538,255, plus strand): 5'-TTCCCTTCTTTCAGCAAAGTGCAGAGGAAAGTTCCACTTCCAGAAAAAGAACTACAGAAG[A>G]CGATATCCCCACACTGCCTACCTCAGAGCATAAATGCATACATTCTAGAGAAGGTATGTT-3'
Protein context (NP_002384.2, residues 143-163): SSTSRKRTTE[Asp153Gly]DIPTLPTSEH